The following is an entry in ClinVar:

NM_001061.7(TBXAS1):c.372dup (p.Leu125fs)

Gene: TBXAS1 (thromboxane A synthase 1; plus strand). Cytogenetic location: 7q34.
Variant type: Duplication.
Coding change: c.372dup on transcript NM_001061.7 (MANE Select); coding-DNA position 372, one base duplicated (T; older notation c.372dupT).
Protein change: p.Leu125fs; shifts the reading frame from leucine 125.
Molecular consequence: frameshift variant.
Genome position (GRCh38, 1-based): chr7:139,936,229, T duplicated; the last of 2 consecutive T bases (chr7:139,936,228-139,936,229); duplicating either gives the same sequence. VCF-style (leftmost placement, unchanged base first): chr7-139936227-G-GT. GRCh37 (hg19) VCF-style: chr7-139636026-G-GT.
Other names: c.372dupT (NM_001061.7); c.372dup, p.Leu125fs (NM_001130966.5, NM_001166253.4, NM_030984.6); c.171dup, p.Leu58fs (NM_001166254.4); c.315dup, p.Leu106fs (NM_001314028.4); c.189dup, p.Leu64fs (NM_001366537.3); short protein forms L106fs, L125fs, L58fs, L64fs.
Identifiers: ClinVar variation 4539368 (VCV004539368.1).

ClinVar aggregate classification (germline): Likely pathogenic (1 of 4 stars; one submission).

Submission:

Center for Genomic Medicine, Rigshospitalet, Copenhagen University Hospital
Classification: Likely pathogenic. Last evaluated: 2025-12-29. Review status: criteria provided, single submitter. Criteria: ACMG Guidelines, 2015. Collection method: clinical testing. Allele origin: germline.
Comment: Classification criteria: PVS1, PM2_Supporting

Literature cited by the submitters: PubMed 28868793; PubMed 33595912.